The following is an entry in ClinVar:

NM_000271.5(NPC1):c.2228C>T (p.Thr743Ile)

Gene: NPC1 (NPC intracellular cholesterol transporter 1; minus strand). Cytogenetic location: 18q11.2.
Variant type: single nucleotide variant.
Coding change: c.2228C>T on transcript NM_000271.5 (MANE Select); coding-DNA position 2228, C replaced by T.
Protein change: p.Thr743Ile; replaces threonine 743 with isoleucine.
Molecular consequence: missense variant.
Genome position (GRCh38, 1-based): chr18:23,543,472, G>A on the plus strand (C>T on the coding strand, the complement: NPC1 is on the minus strand). VCF-style: chr18-23543472-G-A. GRCh37 (hg19) VCF-style: chr18-21123436-G-A.
Other names: short protein forms T743I.
Identifiers: ClinVar variation 2044512 (VCV002044512.1), dbSNP rs757862339, ClinGen allele CA8913184.
Genomic context (GRCh38, chr18:23,543,472, plus strand): 5'-GCTCAGCAGACTACAGGACTGGTAGGATTGAAAGCATAATTACCTAAGAAAAATGCTACA[G>A]TCTCAGAAAAGGATGACAGGAACATACTGGGAGCCACTTCTCCTAGGACCCTGCCCAGCT-3'
Protein context (NP_000262.2, residues 733-753): PSMFLSSFSE[Thr743Ile]VAFFLGALSV

ClinVar aggregate classification (germline): Uncertain significance (1 of 4 stars; one submission).

Conditions:
Niemann-Pick disease, type C1. Also called: NEUROVISCERAL STORAGE DISEASE WITH VERTICAL SUPRANUCLEAR OPHTHALMOPLEGIA; NIEMANN-PICK DISEASE WITH CHOLESTEROL ESTERIFICATION BLOCK; NIEMANN-PICK DISEASE WITHOUT SPHINGOMYELINASE DEFICIENCY; NIEMANN-PICK DISEASE, CHRONIC NEURONOPATHIC FORM; NIEMANN-PICK DISEASE, VARIANT TYPE C1. Identifiers: Orphanet 646, MedGen C3179455, MONDO:0009757, OMIM 257220.

Allele frequency attached by ClinVar (database versions not stated): ExAC 0.00001; gnomAD 0.00001; TOPMed 0.00001.
gnomAD v4.1: 2 of 1,603,814 alleles (0.00012%); highest among the groups gnomAD compares: East Asian, 0.0045%; no homozygotes.

Submission:

Labcorp Genetics (formerly Invitae), Labcorp
Classification: Uncertain significance for Niemann-Pick disease, type C1. Last evaluated: 2022-04-04. Review status: criteria provided, single submitter. Criteria: Invitae Variant Classification Sherloc (09022015). Collection method: clinical testing. Allele origin: germline.
Comment: This sequence change replaces threonine, which is neutral and polar, with isoleucine, which is neutral and non-polar, at codon 743 of the NPC1 protein (p.Thr743Ile). This variant is present in population databases (rs757862339, gnomAD 0.02%). This variant has not been reported in the literature in individuals affected with NPC1-related conditions. Algorithms developed to predict the effect of missense changes on protein structure and function are either unavailable or do not agree on the potential impact of this missense change (SIFT: "Tolerated"; PolyPhen-2: "Possibly Damaging"; Align-GVGD: "Class C0"). In summary, the available evidence is currently insufficient to determine the role of this variant in disease. Therefore, it has been classified as a Variant of Uncertain Significance.